The following is an entry in ClinVar:

NM_005006.7(NDUFS1):c.289A>T (p.Met97Leu)

Gene: NDUFS1 (NADH:ubiquinone oxidoreductase core subunit S1; minus strand). Cytogenetic location: 2q33.3.
Variant type: single nucleotide variant.
Coding change: c.289A>T on transcript NM_005006.7 (MANE Select); coding-DNA position 289, A replaced by T.
Protein change: p.Met97Leu; replaces methionine 97 with leucine.
Molecular consequence: missense variant. On other transcripts: intron variant (1).
Genome position (GRCh38, 1-based): chr2:206,149,069, T>A on the plus strand (A>T on the coding strand, the complement: NDUFS1 is on the minus strand). VCF-style: chr2-206149069-T-A. GRCh37 (hg19) VCF-style: chr2-207013793-T-A.
Other names: c.181A>T, p.Met61Leu (NM_001199981.2); c.118A>T, p.Met40Leu (NM_001199983.2); c.331A>T, p.Met111Leu (NM_001199984.2); c.6-1235A>T (NM_001199982.2); short protein forms M111L, M40L, M61L, M97L.
Identifiers: ClinVar variation 1331635 (VCV001331635.4), dbSNP rs2105977000, ClinGen allele CA350063603.

ClinVar aggregate classification (germline): Uncertain significance (1 of 4 stars; one submission).

Submission:

Greenwood Genetic Center Diagnostic Laboratories, Greenwood Genetic Center
Classification: Uncertain significance. Last evaluated: 2021-01-08. Review status: criteria provided, single submitter. Criteria: ACMG Guidelines, 2015. Collection method: clinical testing. Allele origin: germline. Affected: yes.
Comment: PM2